The following is an entry in ClinVar:

NM_023037.3(FRY):c.6294C>T (p.Ser2098=)

Gene: FRY (FRY microtubule binding protein; plus strand). Cytogenetic location: 13q13.1.
Variant type: single nucleotide variant.
Coding change: c.6294C>T on transcript NM_023037.3 (MANE Select); coding-DNA position 6294, C replaced by T.
Protein change: p.Ser2098=; no amino-acid change (serine 2098 retained).
Molecular consequence: synonymous variant.
Genome position (GRCh38, 1-based): chr13:32,237,862, C>T. VCF-style: chr13-32237862-C-T. GRCh37 (hg19) VCF-style: chr13-32811999-C-T.
Other names: c.6294C>T, p.Ser2098= (NM_001411012.1).
Identifiers: ClinVar variation 2643726 (VCV002643726.25), dbSNP rs368340587, ClinGen allele CA6939400.
Genomic context (GRCh38, chr13:32,237,862, plus strand): 5'-GGCTGAGAACCGAGAAAAGCTTGAGAAACTCCAGGCACAGCTGAAGTGGGCCGACTTCTC[C>T]GGGCTGCAGCAGCTGCTGCTGAAAGGATTCACATCCCTCACCACCACAGACCTGACCCTG-3'
Protein context (NP_075463.2, residues 2088-2108): LQAQLKWADF[Ser2098=]GLQQLLLKGF

ClinVar aggregate classification (germline): Likely benign. Review status: criteria provided, multiple submitters, no conflicts (2 of 4 stars). 2 submissions from 2 submitters: Likely benign (2). Last evaluated 2024-09-03.

Allele frequency attached by ClinVar (database versions not stated): gnomAD 0.00008; TOPMed 0.00008; 1000 Genomes Project 30x 0.00016; ESP Exome Variant Server 0.00016; gnomAD exomes 0.00016; ExAC 0.00017; 1000 Genomes Project 0.00020.
gnomAD v4.1: 251 of 1,614,152 alleles (0.016%); highest among the groups gnomAD compares: Non-Finnish European, 0.018%; no homozygotes.

Submissions (2):

Blueprint Genetics
Classification: Likely benign. Last evaluated: 2024-09-03. Review status: criteria provided, single submitter. Criteria: ACMG Guidelines, 2015. Collection method: clinical testing. Allele origin: germline.

CeGaT Center for Human Genetics Tuebingen
Classification: Likely benign. Last evaluated: 2023-01-01. Review status: criteria provided, single submitter. Criteria: CeGaT Center For Human Genetics Tuebingen Variant Classification Criteria Version 2. Collection method: clinical testing. Allele origin: germline. Affected: yes. Observed: 1 variant allele.
Comment: FRY: BP4, BP7